The following is an entry in ClinVar:

NM_206933.4(USH2A):c.10939+2T>C

Gene: USH2A (usherin; minus strand). Cytogenetic location: 1q41.
Variant type: single nucleotide variant.
Coding change: c.10939+2T>C on transcript NM_206933.4 (MANE Select); the canonical splice donor site of the intron after coding-DNA position 10939, T replaced by C.
Molecular consequence: splice donor variant.
Genome position (GRCh38, 1-based): chr1:215,779,841, A>G on the plus strand (T>C on the coding strand, the complement: USH2A is on the minus strand). VCF-style: chr1-215779841-A-G. GRCh37 (hg19) VCF-style: chr1-215953183-A-G.
Identifiers: ClinVar variation 1067066 (VCV001067066.7), dbSNP rs1661573417, ClinGen allele CA344832943.
Genomic context (GRCh38, chr1:215,779,841, plus strand): 5'-TGCCCCCCTAACCACAATGACAGACTCCTCCAGTAGGATTTCCTTTTTTTTTGTTTTCTC[A>G]CCTGTGACCGTATGCTGTCTCCTGTCAGTGGTGTCAGTGTGGATGAGACCTTTCCCAACC-3'

ClinVar aggregate classification (germline): Pathogenic (1 of 4 stars; one submission).

Submission:

Labcorp Genetics (formerly Invitae), Labcorp
Classification: Pathogenic. Last evaluated: 2025-01-15. Review status: criteria provided, single submitter. Criteria: Invitae Variant Classification Sherloc (09022015). Collection method: clinical testing. Allele origin: germline.
Comment: This sequence change affects a donor splice site in intron 55 of the USH2A gene. It is expected to disrupt RNA splicing. Variants that disrupt the donor or acceptor splice site typically lead to a loss of protein function (PMID: 16199547), and loss-of-function variants in USH2A are known to be pathogenic (PMID: 10729113, 10909849, 20507924, 25649381). This variant is not present in population databases (gnomAD no frequency). Disruption of this splice site has been observed in individual(s) with clinical features of Usher syndrome (internal data). ClinVar contains an entry for this variant (Variation ID: 1067066). Algorithms developed to predict the effect of sequence changes on RNA splicing suggest that this variant may disrupt the consensus splice site. For these reasons, this variant has been classified as Pathogenic.

Literature cited by the submitters: PubMed 16199547; PubMed 10729113; PubMed 10909849; PubMed 20507924; PubMed 25649381.